The following is an entry in ClinVar:

NM_001376.5(DYNC1H1):c.8530C>T (p.Arg2844Cys)

Gene: DYNC1H1 (dynein cytoplasmic 1 heavy chain 1; plus strand). Cytogenetic location: 14q32.31.
Variant type: single nucleotide variant.
Coding change: c.8530C>T on transcript NM_001376.5 (MANE Select); coding-DNA position 8530, C replaced by T.
Protein change: p.Arg2844Cys; replaces arginine 2844 with cysteine.
Molecular consequence: missense variant.
Genome position (GRCh38, 1-based): chr14:102,022,773, C>T. VCF-style: chr14-102022773-C-T. GRCh37 (hg19) VCF-style: chr14-102489110-C-T.
Other names: short protein forms R2844C.
Identifiers: ClinVar variation 2071367 (VCV002071367.5), dbSNP rs751668595, ClinGen allele CA7353050.

ClinVar aggregate classification (germline): Conflicting classifications of pathogenicity. Review status: criteria provided, conflicting classifications (1 of 4 stars). 2 submissions from 2 submitters: Uncertain significance (1); Likely benign (1). Last evaluated 2025-10-08.

Conditions:
DYNC1H1-related disorder. Also called: DYNC1H1-related disorders; DYNC1H1-related condition. Identifiers: MedGen CN381529.
Charcot-Marie-Tooth disease axonal type 2O. Also called: CHARCOT-MARIE-TOOTH NEUROPATHY, AXONAL, TYPE 2O; CHARCOT-MARIE-TOOTH DISEASE, AXONAL, AUTOSOMAL DOMINANT, TYPE 2O; Charcot-Marie-Tooth Neuropathy Type 2O; Charcot-Marie-Tooth disease, axonal, type 20. Identifiers: Orphanet 284232, MedGen C3280220, MONDO:0013644, OMIM 614228.

Allele frequency attached by ClinVar (database versions not stated): ExAC 0.00001; gnomAD exomes 0.00001; TOPMed 0.00001; gnomAD 0.00003.
gnomAD v4.1: 24 of 1,614,088 alleles (0.0015%); highest among the groups gnomAD compares: South Asian, 0.0055%; no homozygotes.

Submissions (2):

Labcorp Genetics (formerly Invitae), Labcorp
Classification: Likely benign for Charcot-Marie-Tooth disease axonal type 2O. Last evaluated: 2025-10-08. Review status: criteria provided, single submitter. Criteria: Invitae Variant Classification Sherloc (09022015). Collection method: clinical testing. Allele origin: germline.

PreventionGenetics, part of Exact Sciences
Classification: Uncertain significance for DYNC1H1-related condition. Last evaluated: 2025-05-02. Review status: criteria provided, single submitter. Criteria: ACMG Guidelines, 2015. Collection method: clinical testing. Allele origin: germline.
Comment: The DYNC1H1 c.8530C>T variant is predicted to result in the amino acid substitution p.Arg2844Cys. To our knowledge, this variant has not been reported in the literature. This variant is reported in 0.0065% of alleles in individuals of South Asian descent in gnomAD. At this time, the clinical significance of this variant is uncertain due to the absence of conclusive functional and genetic evidence.